The following is an entry in ClinVar:

ClinVar aggregate classification (germline): Uncertain significance. Review status: criteria provided, multiple submitters, no conflicts (2 of 4 stars). 2 submissions from 2 submitters: Uncertain significance (2). Last evaluated 2025-06-07.

gnomAD v4.1: 45 of 1,607,550 alleles (0.0028%); highest among the groups gnomAD compares: Middle Eastern, 0.017%; no homozygotes.

Submissions (2):

Ambry Genetics
Classification: Uncertain significance. Last evaluated: 2025-06-07. Review status: criteria provided, single submitter. Criteria: Ambry Variant Classification Scheme 2023. Collection method: clinical testing. Allele origin: germline.

Labcorp Genetics (formerly Invitae), Labcorp
Classification: Uncertain significance. Last evaluated: 2024-12-20. Review status: criteria provided, single submitter. Criteria: Invitae Variant Classification Sherloc (09022015). Collection method: clinical testing. Allele origin: germline.
Comment: This sequence change replaces arginine, which is basic and polar, with cysteine, which is neutral and slightly polar, at codon 78 of the FGFRL1 protein (p.Arg78Cys). This variant is present in population databases (rs760242543, gnomAD 0.009%). This variant has not been reported in the literature in individuals affected with FGFRL1-related conditions. An algorithm developed to predict the effect of missense changes on protein structure and function (PolyPhen-2) suggests that this variant is likely to be disruptive. In summary, the available evidence is currently insufficient to determine the role of this variant in disease. Therefore, it has been classified as a Variant of Uncertain Significance.

NM_001004356.3(FGFRL1):c.232C>T (p.Arg78Cys)

Gene: FGFRL1 (fibroblast growth factor receptor like 1; plus strand). Cytogenetic location: 4p16.3.
Variant type: single nucleotide variant.
Coding change: c.232C>T on transcript NM_001004356.3 (MANE Select); coding-DNA position 232, C replaced by T.
Protein change: p.Arg78Cys; replaces arginine 78 with cysteine.
Molecular consequence: missense variant.
Genome position (GRCh38, 1-based): chr4:1,022,355, C>T. VCF-style: chr4-1022355-C-T. GRCh37 (hg19) VCF-style: chr4-1016143-C-T.
Other names: c.232C>T (NM_001004356.2); c.232C>T, p.Arg78Cys (NM_001004358.1, NM_001370296.1, NM_021923.3); short protein forms R78C.
Identifiers: ClinVar variation 3624102 (VCV003624102.3).